The following is an entry in ClinVar:

ClinVar aggregate classification (germline): Likely pathogenic (1 of 4 stars; one submission).

Conditions:
Biotinidase deficiency. Also called: BTD deficiency; Late-onset biotin-responsive multiple carboxylase deficiency; Biotin deficiency. Identifiers: Orphanet 79241, MedGen C0220754, MONDO:0009665, OMIM 253260.

Submission:

Natera, Inc.
Classification: Likely pathogenic for Biotinidase deficiency. Last evaluated: 2025-09-02. Review status: criteria provided, single submitter. Criteria: Natera Variant Classification Schema (03/2026). Collection method: clinical testing. Allele origin: germline.
Comment: The c.454A>C variant in BTD is a missense variant predicted to cause substitution of threonine to proline at amino acid 152. This variant is rare in the general population with a frequency below the threshold expected for the associated phenotype(s). This variant has been observed in one or more individuals affected with the associated recessive disease, as either homozygous or compound heterozygous with a second variant (PMID: 17185019, 32209270, 34136440). Computational prediction algorithms indicate this variant is likely to affect gene or protein function. Given the available evidence, this variant is classified as Likely Pathogenic.

Literature cited by the submitters: PubMed 17185019; PubMed 32209270; PubMed 34136440.

NM_000060.4:c.454A>C

Variant type: single nucleotide variant.
Other names: c.454A>C (NM_000060.4).
Identifiers: ClinVar variation 4816013 (VCV004816013.1).